The following is an entry in ClinVar:

ClinVar aggregate classification (germline): Likely benign (1 of 4 stars; one submission).

Conditions:
BBS10-related disorder. Also called: BBS10-related condition.

gnomAD v4.1: 1 of 1,613,634 alleles (0.000062%); highest among the groups gnomAD compares: African/African-American, 0.0013%; no homozygotes.

Submission:

PreventionGenetics, part of Exact Sciences
Classification: Likely benign for BBS10-related condition. Last evaluated: 2024-11-18. Review status: criteria provided, single submitter. Criteria: ACMG Guidelines, 2015. Collection method: clinical testing. Allele origin: germline.
Comment: This variant is classified as likely benign based on ACMG/AMP sequence variant interpretation guidelines (Richards et al. 2015 PMID: 25741868, with internal and published modifications).

NM_024685.4(BBS10):c.441G>A (p.Gln147=)

Gene: BBS10 (Bardet-Biedl syndrome 10; minus strand). Cytogenetic location: 12q21.2.
Variant type: single nucleotide variant.
Coding change: c.441G>A on transcript NM_024685.4 (MANE Select); coding-DNA position 441, G replaced by A.
Protein change: p.Gln147=; no amino-acid change (glutamine 147 retained).
Molecular consequence: synonymous variant.
Genome position (GRCh38, 1-based): chr12:76,347,544, C>T on the plus strand (G>A on the coding strand, the complement: BBS10 is on the minus strand). VCF-style: chr12-76347544-C-T. GRCh37 (hg19) VCF-style: chr12-76741324-C-T.
Identifiers: ClinVar variation 4997989 (VCV004997989.1).
Genomic context (GRCh38, chr12:76,347,544, plus strand): 5'-CCTACACAATGTTCTCTCTTTAGCAGACGAAAAGATAGACAAAAAGTGTCTACTTAGGTA[C>T]TGGTCCATAATACCGTCTAATATTTGTGTCTGAAACGTTAGGAGAGCCTGGGAAATAAAT-3'
Protein context (NP_078961.3, residues 137-157): QTQILDGIMD[Gln147=]YLSRHFLSIF